The following is an entry in ClinVar:

ClinVar aggregate classification (germline): Uncertain significance (1 of 4 stars; one submission).

Submission:

Labcorp Genetics (formerly Invitae), Labcorp
Classification: Uncertain significance. Last evaluated: 2024-11-18. Review status: criteria provided, single submitter. Criteria: Invitae Variant Classification Sherloc (09022015). Collection method: clinical testing. Allele origin: germline.
Comment: This sequence change replaces serine, which is neutral and polar, with arginine, which is basic and polar, at codon 162 of the MYO5B protein (p.Ser162Arg). This variant is not present in population databases (gnomAD no frequency). This variant has not been reported in the literature in individuals affected with MYO5B-related conditions. ClinVar contains an entry for this variant (Variation ID: 2114178). Invitae Evidence Modeling of protein sequence and biophysical properties (such as structural, functional, and spatial information, amino acid conservation, physicochemical variation, residue mobility, and thermodynamic stability) indicates that this missense variant is expected to disrupt MYO5B protein function with a positive predictive value of 80%. In summary, the available evidence is currently insufficient to determine the role of this variant in disease. Therefore, it has been classified as a Variant of Uncertain Significance.

NM_001080467.3(MYO5B):c.484A>C (p.Ser162Arg)

Gene: MYO5B (myosin VB; minus strand). Cytogenetic location: 18q21.1.
Variant type: single nucleotide variant.
Coding change: c.484A>C on transcript NM_001080467.3 (MANE Select); coding-DNA position 484, A replaced by C.
Protein change: p.Ser162Arg; replaces serine 162 with arginine.
Molecular consequence: missense variant.
Genome position (GRCh38, 1-based): chr18:50,001,383, T>G on the plus strand (A>C on the coding strand, the complement: MYO5B is on the minus strand). VCF-style: chr18-50001383-T-G. GRCh37 (hg19) VCF-style: chr18-47527753-T-G.
Other names: short protein forms S162R.
Identifiers: ClinVar variation 2114178 (VCV002114178.4), dbSNP rs2511244928, ClinGen allele CA402440025.
Genomic context (GRCh38, chr18:50,001,383, plus strand): 5'-TGGCGAAATAGCGCATGGCATACTTGGCTGATACCGTCTTCCCGGCTCCAGACTCCCCAC[T>G]GACTATGATGGACTGATTCTTCTCATCTCTGGAAGGAAAAAAGCTCTGATAAGTCATTGG-3'
Protein context (NP_001073936.1, residues 152-172): RDEKNQSIIV[Ser162Arg]GESGAGKTVS